The following is an entry in ClinVar:

ClinVar aggregate classification (germline): Uncertain significance (1 of 4 stars; one submission).

Submission:

Labcorp Genetics (formerly Invitae), Labcorp
Classification: Uncertain significance. Last evaluated: 2025-02-27. Review status: criteria provided, single submitter. Criteria: Invitae Variant Classification Sherloc (09022015). Collection method: clinical testing. Allele origin: germline.
Comment: This sequence change replaces alanine, which is neutral and non-polar, with serine, which is neutral and polar, at codon 22 of the FOXI3 protein (p.Ala22Ser). The frequency data for this variant in the population databases is considered unreliable, as metrics indicate insufficient coverage at this position in the gnomAD database. This variant has not been reported in the literature in individuals affected with FOXI3-related conditions. Experimental studies and prediction algorithms are not available or were not evaluated, and the functional significance of this variant is currently unknown. In summary, the available evidence is currently insufficient to determine the role of this variant in disease. Therefore, it has been classified as a Variant of Uncertain Significance.

NM_001135649.3(FOXI3):c.64G>T (p.Ala22Ser)

Gene: FOXI3 (forkhead box I3; minus strand). Cytogenetic location: 2p11.2.
Variant type: single nucleotide variant.
Coding change: c.64G>T on transcript NM_001135649.3 (MANE Select); coding-DNA position 64, G replaced by T.
Protein change: p.Ala22Ser; replaces alanine 22 with serine.
Molecular consequence: missense variant.
Genome position (GRCh38, 1-based): chr2:88,452,472, C>A on the plus strand (G>T on the coding strand, the complement: FOXI3 is on the minus strand). VCF-style: chr2-88452472-C-A. GRCh37 (hg19) VCF-style: chr2-88751990-C-A.
Other names: short protein forms A22S.
Identifiers: ClinVar variation 3697187 (VCV003697187.2).